The following is an entry in ClinVar:

ClinVar aggregate classification (germline): Uncertain significance. Review status: criteria provided, multiple submitters, no conflicts (2 of 4 stars). 2 submissions from 2 submitters: Uncertain significance (2). Last evaluated 2024-03-05.

Allele frequency attached by ClinVar (database versions not stated): gnomAD exomes 0.00001 and 0.00002; ExAC 0.00002; gnomAD 0.00002; TOPMed 0.00002.
gnomAD v4.1: 30 of 1,613,684 alleles (0.0019%); highest among the groups gnomAD compares: East Asian, 0.011%; no homozygotes.

Submissions (2):

Blueprint Genetics
Classification: Uncertain significance. Last evaluated: 2024-03-05. Review status: criteria provided, single submitter. Criteria: ACMG Guidelines, 2015. Collection method: clinical testing. Allele origin: germline.

Labcorp Genetics (formerly Invitae), Labcorp
Classification: Uncertain significance. Last evaluated: 2022-09-13. Review status: criteria provided, single submitter. Criteria: Invitae Variant Classification Sherloc (09022015). Collection method: clinical testing. Allele origin: germline.
Comment: This sequence change replaces asparagine, which is neutral and polar, with serine, which is neutral and polar, at codon 582 of the ABCA4 protein (p.Asn582Ser). This variant is present in population databases (rs368362755, gnomAD 0.02%). This missense change has been observed in individual(s) with ABCA4-related retinal disease (PMID: 21911583). ClinVar contains an entry for this variant (Variation ID: 861202). Advanced modeling of protein sequence and biophysical properties (such as structural, functional, and spatial information, amino acid conservation, physicochemical variation, residue mobility, and thermodynamic stability) performed at Invitae indicates that this missense variant is expected to disrupt ABCA4 protein function. Algorithms developed to predict the effect of sequence changes on RNA splicing suggest that this variant may create or strengthen a splice site. In summary, the available evidence is currently insufficient to determine the role of this variant in disease. Therefore, it has been classified as a Variant of Uncertain Significance.

Literature cited by the submitters: PubMed 21911583 (cited by Labcorp Genetics (formerly Invitae), Labcorp).

NM_000350.3(ABCA4):c.1745A>G (p.Asn582Ser)

Gene: ABCA4 (ATP binding cassette subfamily A member 4; minus strand). Cytogenetic location: 1p22.1.
Variant type: single nucleotide variant.
Coding change: c.1745A>G on transcript NM_000350.3 (MANE Select); coding-DNA position 1745, A replaced by G.
Protein change: p.Asn582Ser; replaces asparagine 582 with serine.
Molecular consequence: missense variant.
Genome position (GRCh38, 1-based): chr1:94,063,127, T>C on the plus strand (A>G on the coding strand, the complement: ABCA4 is on the minus strand). VCF-style: chr1-94063127-T-C. GRCh37 (hg19) VCF-style: chr1-94528683-T-C.
Other names: c.1745A>G, p.Asn582Ser (NM_001425324.1); short protein forms N582S.
Identifiers: ClinVar variation 861202 (VCV000861202.8), dbSNP rs368362755, ClinGen allele CA958444.